The following is an entry in ClinVar:

ClinVar aggregate classification (germline): Uncertain significance. Review status: criteria provided, multiple submitters, no conflicts (2 of 4 stars). 2 submissions from 2 submitters: Uncertain significance (2). Last evaluated 2023-12-18.

Conditions:
Hereditary spastic paraplegia 4. Also called: Spastic paraplegia 4, autosomal dominant; Familial spastic paraplegia autosomal dominant 2; Spastic Paraplegia 4. Identifiers: Orphanet 100985, MedGen C1866855, MONDO:0008438, OMIM 182601.
Inborn genetic diseases. Identifiers: MedGen C0950123, MeSH D030342.

Allele frequency attached by ClinVar (database versions not stated): TOPMed below 0.00001; ExAC 0.00001; gnomAD 0.00001.
gnomAD v4.1: 2 of 1,595,906 alleles (0.00013%); highest among the groups gnomAD compares: African/African-American, 0.0027%; no homozygotes.

Submissions (2):

Labcorp Genetics (formerly Invitae), Labcorp
Classification: Uncertain significance for Hereditary spastic paraplegia 4. Last evaluated: 2023-12-18. Review status: criteria provided, single submitter. Criteria: Invitae Variant Classification Sherloc (09022015). Collection method: clinical testing. Allele origin: germline.
Comment: This sequence change replaces glycine, which is neutral and non-polar, with valine, which is neutral and non-polar, at codon 140 of the SPAST protein (p.Gly140Val). This variant is not present in population databases (gnomAD no frequency). This variant has not been reported in the literature in individuals affected with SPAST-related conditions. ClinVar contains an entry for this variant (Variation ID: 2264462). Advanced modeling of protein sequence and biophysical properties (such as structural, functional, and spatial information, amino acid conservation, physicochemical variation, residue mobility, and thermodynamic stability) performed at Invitae indicates that this missense variant is expected to disrupt SPAST protein function with a positive predictive value of 95%. In summary, the available evidence is currently insufficient to determine the role of this variant in disease. Therefore, it has been classified as a Variant of Uncertain Significance.

Ambry Genetics
Classification: Uncertain significance for Inborn genetic diseases. Last evaluated: 2021-12-03. Review status: criteria provided, single submitter. Criteria: Ambry Variant Classification Scheme 2023. Collection method: clinical testing. Allele origin: germline.

NM_014946.4(SPAST):c.419G>T (p.Gly140Val)

Gene: SPAST (spastin; plus strand). Cytogenetic location: 2p22.3.
Variant type: single nucleotide variant.
Coding change: c.419G>T on transcript NM_014946.4 (MANE Select); coding-DNA position 419, G replaced by T.
Protein change: p.Gly140Val; replaces glycine 140 with valine.
Molecular consequence: missense variant.
Genome position (GRCh38, 1-based): chr2:32,087,495, G>T. VCF-style: chr2-32087495-G-T. GRCh37 (hg19) VCF-style: chr2-32312564-G-T.
Other names: c.416G>T, p.Gly139Val (NM_001363823.2, NM_001363875.2); c.419G>T, p.Gly140Val (NM_001377959.1, NM_199436.2); short protein forms G139V, G140V.
Identifiers: ClinVar variation 2264462 (VCV002264462.5), dbSNP rs763649847, ClinGen allele CA1600584.